The following is an entry in ClinVar:

ClinVar aggregate classification (germline): Uncertain significance (1 of 4 stars; one submission).

Conditions:
TTN-related disorder. Also called: TTN-related condition; TTN-related disease; TTN-related disorders.

Submission:

Illumina Laboratory Services, Illumina
Classification: Uncertain significance. Last evaluated: 2021-10-01. Review status: criteria provided, single submitter. Criteria: ICSLVariantClassificationCriteria RUGD 01 April 2020. Collection method: clinical testing. Allele origin: unknown.
Comment: The TTN c.86411C>T (p.Thr28804Ile) variant is a missense variant. A literature search was performed for the gene, cDNA change, and amino acid change. No publications were found based on this search. This variant is not found in version 2.1.1 or version 3.1.1 of the Genome Aggregation Database despite its location in a region of good sequencing coverage, which suggests the variant is rare. This variant is located within the A band of the protein (Oates et al. 2018). Based on the limited evidence, the p.Thr28804Ile variant is classified as a variant of uncertain significance for TTN-related disorders.

Literature cited by the submitters: PubMed 29691892.

NM_001267550.2(TTN):c.86411C>T (p.Thr28804Ile)

Genes: TTN (titin; minus strand), TTN-AS1 (TTN antisense RNA 1; plus strand). Cytogenetic location: 2q31.2.
Variant type: single nucleotide variant.
Coding change: c.86411C>T on transcript NM_001267550.2 (MANE Select); coding-DNA position 86411, C replaced by T.
Protein change: p.Thr28804Ile; replaces threonine 28804 with isoleucine.
Molecular consequence: missense variant.
Genome position (GRCh38, 1-based): chr2:178,559,721, G>A on the plus strand (C>T on the coding strand, the complement: TTN is on the minus strand). VCF-style: chr2-178559721-G-A. GRCh37 (hg19) VCF-style: chr2-179424448-G-A.
Other names: c.81488C>T, p.Thr27163Ile (NM_001256850.1); c.59216C>T, p.Thr19739Ile (NM_003319.4); c.78707C>T, p.Thr26236Ile (NM_133378.4); c.59591C>T, p.Thr19864Ile (NM_133432.3); c.59792C>T, p.Thr19931Ile (NM_133437.4); short protein forms T19739I, T19864I, T19931I, T26236I, T27163I, T28804I.
Identifiers: ClinVar variation 1328160 (VCV001328160.4), dbSNP rs750815763, ClinGen allele CA349543978.